The following is an entry in ClinVar:

NM_000311.5(PRNP):c.222_245del (p.60PHGGGWGQ[3])

Gene: PRNP (prion protein (Kanno blood group); plus strand). Cytogenetic location: 20p13.
Variant type: Deletion.
Coding change: c.222_245del on transcript NM_000311.5 (MANE Select); coding-DNA positions 222 to 245, 24 bases deleted (GCAGCCCCATGGTGGTGGCTGGGG).
Protein change: p.60PHGGGWGQ[3].
Molecular consequence: inframe deletion.
Genome position (GRCh38, 1-based): chr20:4,699,442-4,699,465, GCAGCCCCATGGTGGTGGCTGGGG deleted; deleting any 24 consecutive bases within chr20:4,699,425-4,699,465 gives the same sequence; the c. name uses the placement nearest the transcript's 3' end. VCF-style (leftmost placement, unchanged base first): chr20-4699424-TCATGGTGGTGGCTGGGGGCAGCCC-T. GRCh37 (hg19) VCF-style: chr20-4680070-TCATGGTGGTGGCTGGGGGCAGCCC-T.
Other names: c.222_245del (NM_000311.3); c.222_245del24 (NM_000311.3); c.222_245del, p.60PHGGGWGQ[3] (NM_001080121.3, NM_001080122.3, NM_001080123.3 and 1 more transcripts); c.133_156del, p.Ala45_Gly52del (NM_001271561.3).
Identifiers: ClinVar variation 1496345 (VCV001496345.10), dbSNP rs754362804, ClinGen allele CA9752028.

ClinVar aggregate classification (germline): Uncertain significance. Review status: criteria provided, multiple submitters, no conflicts (2 of 4 stars). 3 submissions from 3 submitters: Uncertain significance (3). Last evaluated 2025-07-10.

Conditions:
Huntington disease-like 1 (HDL1). Also called: HUNTINGTON-LIKE NEURODEGENERATIVE DISORDER 1; HUNTINGTON-LIKE NEURODEGENERATIVE DISORDER, AUTOSOMAL DOMINANT; PRION DISEASE, EARLY-ONSET, WITH PROMINENT PSYCHIATRIC FEATURES. Identifiers: Orphanet 157941, MedGen C1864112, MONDO:0011299, OMIM 603218.

Submissions (3):

GeneDx
Classification: Uncertain significance. Last evaluated: 2025-07-10. Review status: criteria provided, single submitter. Criteria: GeneDx Variant Classification Process June 2021. Collection method: clinical testing. Allele origin: germline. Affected: yes.
Comment: In-frame deletion of 8 amino acids in a non-repeat region; In silico analysis supports a deleterious effect on protein structure/function; Has not been previously published as pathogenic or benign to our knowledge; This variant is associated with the following publications: (PMID: 35812092, 16914329, 22717776, 18455951)

Women's Health and Genetics/Laboratory Corporation of America, LabCorp
Classification: Uncertain significance. Last evaluated: 2023-09-18. Review status: criteria provided, single submitter. Criteria: LabCorp Variant Classification Summary - May 2015. Collection method: clinical testing. Allele origin: germline.
Comment: Variant summary: PRNP c.222_245del24 (p.Pro84_Gln91del) results in an in-frame deletion that is predicted to remove eight amino acids from the encoded protein. The variant allele was found at a frequency of 8.6e-05 in 245424 control chromosomes. It is observed and reported as a polymorphic Octapeptide Repeat Deletion (ORPD) in the general population. This frequency does not allow conclusions about variant significance. c.222_245del24 has been reported in the literature with other co-occurring variants on uncertain significance and/or as a polymorphic repeat in individuals affected with Dementia, Insomnia, Parkinson Disease and gastric cancer cell lines (example, Lin_2022, Luo_2012, Wang_2009, Liang_2006). These report(s) do not provide unequivocal conclusions about association of the variant with PRNP-Related Disorders. To our knowledge, no experimental evidence demonstrating an impact on protein function has been reported. The following publications have been ascertained in the context of this evaluation (PMID: 35812092, 22717776, 18455951, 16914329). One submitter has cited clinical-significance assessments for this variant to ClinVar after 2014 and has classified the variant as uncertain significance. Based on the evidence outlined above, the variant was classified as uncertain significance.

Labcorp Genetics (formerly Invitae), Labcorp
Classification: Uncertain significance for Huntington disease-like 1. Last evaluated: 2021-12-02. Review status: criteria provided, single submitter. Criteria: Invitae Variant Classification Sherloc (09022015). Collection method: clinical testing. Allele origin: germline.
Comment: This variant is present in population databases (rs754362804, gnomAD 0.02%). In summary, the available evidence is currently insufficient to determine the role of this variant in disease. Therefore, it has been classified as a Variant of Uncertain Significance. Experimental studies and prediction algorithms are not available or were not evaluated, and the functional significance of this variant is currently unknown. This variant has been observed in individual(s) with fatal familial insomnia or Parkinson disease (PMID: 18455951, 22717776). This variant, c.222_245del, results in the deletion of 8 amino acid(s) of the PRNP protein (p.Pro84_Gln91del), but otherwise preserves the integrity of the reading frame.

Literature cited by the submitters: PubMed 16914329 (cited by Women's Health and Genetics/Laboratory Corporation of America, LabCorp); PubMed 35812092 (cited by Women's Health and Genetics/Laboratory Corporation of America, LabCorp); PubMed 22717776 (cited by Women's Health and Genetics/Laboratory Corporation of America, LabCorp and Labcorp Genetics (formerly Invitae), Labcorp); PubMed 18455951 (cited by Women's Health and Genetics/Laboratory Corporation of America, LabCorp and Labcorp Genetics (formerly Invitae), Labcorp).